The following is an entry in ClinVar:

ClinVar aggregate classification (germline): Uncertain significance. Review status: criteria provided, multiple submitters, no conflicts (2 of 4 stars). 2 submissions from 2 submitters: Uncertain significance (2). Last evaluated 2024-10-21.

Conditions:
Cardiovascular phenotype. Identifiers: MedGen CN230736.
Long QT syndrome (LQTS). Identifiers: MedGen C0023976, MeSH D008133, MONDO:0002442. Disease mechanism: loss of function. Inheritance: Various modes of inheritance.

gnomAD v4.1: 1 of 1,614,092 alleles (0.000062%); highest among the groups gnomAD compares: Non-Finnish European, 0.000085%; no homozygotes.

Submissions (2):

Labcorp Genetics (formerly Invitae), Labcorp
Classification: Uncertain significance for Long QT syndrome. Last evaluated: 2024-10-21. Review status: criteria provided, single submitter. Criteria: Invitae Variant Classification Sherloc (09022015). Collection method: clinical testing. Allele origin: germline.
Comment: This sequence change replaces glutamic acid, which is acidic and polar, with aspartic acid, which is acidic and polar, at codon 3160 of the ANK2 protein (p.Glu3160Asp). This variant is not present in population databases (gnomAD no frequency). This variant has not been reported in the literature in individuals affected with ANK2-related conditions. ClinVar contains an entry for this variant (Variation ID: 2607995). An algorithm developed to predict the effect of missense changes on protein structure and function (PolyPhen-2) suggests that this variant is likely to be tolerated. In summary, the available evidence is currently insufficient to determine the role of this variant in disease. Therefore, it has been classified as a Variant of Uncertain Significance.

Ambry Genetics
Classification: Uncertain significance for Cardiovascular phenotype. Last evaluated: 2023-06-29. Review status: criteria provided, single submitter. Criteria: Ambry Variant Classification Scheme 2023. Collection method: clinical testing. Allele origin: germline.

NM_001148.6(ANK2):c.9480G>T (p.Glu3160Asp)

Gene: ANK2 (ankyrin 2; plus strand). Cytogenetic location: 4q26.
Variant type: single nucleotide variant.
Coding change: c.9480G>T on transcript NM_001148.6 (MANE Select); coding-DNA position 9480, G replaced by T.
Protein change: p.Glu3160Asp; replaces glutamic acid 3160 with aspartic acid.
Molecular consequence: missense variant. On other transcripts: intron variant (68).
Genome position (GRCh38, 1-based): chr4:113,358,098, G>T. VCF-style: chr4-113358098-G-T. GRCh37 (hg19) VCF-style: chr4-114279254-G-T.
Other names: c.9246G>T, p.Glu3082Asp (NM_001386142.1); c.5880G>T, p.Glu1960Asp (NM_001386166.1); c.9621G>T, p.Glu3207Asp (NM_001386174.1); c.9597G>T, p.Glu3199Asp (NM_001386175.1); c.4412-2725G>T (NM_001386186.2, NM_001386148.2); c.4214-2725G>T (NM_001354269.3); c.4292-2725G>T (NM_001386187.2); c.4253-2725G>T (NM_001386147.1); and 35 more; short protein forms E1960D, E3199D, E3207D, E3082D, E3160D.
Identifiers: ClinVar variation 2607995 (VCV002607995.4), dbSNP rs2505963453, ClinGen allele CA357937710.